The following is an entry in ClinVar:

NM_203447.4(DOCK8):c.2126A>G (p.Asn709Ser)

Gene: DOCK8 (dedicator of cytokinesis 8; plus strand). Cytogenetic location: 9p24.3.
Variant type: single nucleotide variant.
Coding change: c.2126A>G on transcript NM_203447.4 (MANE Select); coding-DNA position 2126, A replaced by G.
Protein change: p.Asn709Ser; replaces asparagine 709 with serine.
Molecular consequence: missense variant.
Genome position (GRCh38, 1-based): chr9:376,226, A>G. VCF-style: chr9-376226-A-G. GRCh37 (hg19) VCF-style: chr9-376226-A-G.
Other names: c.1922A>G, p.Asn641Ser (NM_001190458.2, NM_001193536.2); short protein forms N641S, N709S.
Identifiers: ClinVar variation 1011137 (VCV001011137.13), dbSNP rs2053510483, ClinGen allele CA372762821.
Genomic context (GRCh38, chr9:376,226, plus strand): 5'-AAGGGAATTGGATTGCTAATCTTTTTTTTTTCTCTTTAACACAGAAAGTCCCATTACAGA[A>G]TCCTCCCATTAAGTGGGCTGAAGGACATAAGGGAGTATTTAATATTGAAGTGCAAGCTGT-3'
Protein context (NP_982272.2, residues 699-719): MHSAEKVPLQ[Asn709Ser]PPIKWAEGHK

ClinVar aggregate classification (germline): Uncertain significance (1 of 4 stars; one submission).

Conditions:
Combined immunodeficiency due to DOCK8 deficiency (HIES2). Also called: HIES autosomal recessive; Hyper-IgE recurrent infection syndrome, autosomal recessive; DOCK8 Deficiency; HYPER-IgE RECURRENT INFECTION SYNDROME 2, AUTOSOMAL RECESSIVE; HYPER-IgE SYNDROME 2, AUTOSOMAL RECESSIVE, WITH RECURRENT INFECTIONS. Identifiers: Orphanet 217390, MedGen C4722305, MONDO:0009478, OMIM 243700.

Submission:

Labcorp Genetics (formerly Invitae), Labcorp
Classification: Uncertain significance for Combined immunodeficiency due to DOCK8 deficiency. Last evaluated: 2020-02-21. Review status: criteria provided, single submitter. Criteria: Invitae Variant Classification Sherloc (09022015). Collection method: clinical testing. Allele origin: germline.
Comment: This variant has not been reported in the literature in individuals with DOCK8-related conditions. This sequence change replaces asparagine with serine at codon 709 of the DOCK8 protein (p.Asn709Ser). The asparagine residue is moderately conserved and there is a small physicochemical difference between asparagine and serine. This variant is not present in population databases (ExAC no frequency). Algorithms developed to predict the effect of missense changes on protein structure and function (SIFT, PolyPhen-2, Align-GVGD) all suggest that this variant is likely to be tolerated, but these predictions have not been confirmed by published functional studies and their clinical significance is uncertain. In summary, the available evidence is currently insufficient to determine the role of this variant in disease. Therefore, it has been classified as a Variant of Uncertain Significance.